The following is an entry in ClinVar:

GRCh37/hg19 16p13.11(chr16:15509592-16309165)x3

Genes: ABCC1 (ATP binding cassette subfamily C member 1 (ABCC1 blood group); plus strand), ABCC6 (ATP binding cassette subfamily C member 6; minus strand), BMERB1 (bMERB domain containing 1; plus strand), CEP20 (centrosomal protein 20; minus strand), MARF1 (meiosis regulator and mRNA stability factor 1; minus strand) and 2 more. Cytogenetic location: 16p13.11.
Variant type: copy number gain.
Change: copy number 3 (three copies instead of two) of chr16:15,509,592-16,309,165 (799.6 kb, GRCh37 coordinates, 1-based), cytogenetic band 16p13.11.
Identifiers: ClinVar variation 1807917 (VCV001807917.1).

ClinVar aggregate classification (germline): Likely pathogenic (1 of 4 stars; one submission).

Submission:

Quest Diagnostics Nichols Institute San Juan Capistrano
Classification: Likely pathogenic. Last evaluated: 2022-01-07. Review status: criteria provided, single submitter. Criteria: ACMG/ClinGen CNV Guidelines, 2019. Collection method: clinical testing. Allele origin: unknown.
Comment: This copy number gain involves multiple genes and is a recurrent genomic imbalance. It confers susceptibility to a range of neurodevelopmental disorders including autism spectrum disorder, developmental delay, intellectual disability, and speech delay. Additionally, increased risk for cardiovascular disease has been noted (Allach El Khattabi et al., J Med Genet. 2018 Oct 4. Pii: jmedgenet-2018-105389. PMID: 30287593). The clinical significance of this recurrent duplication has been debated, because similar duplications are repeatedly observed in uncharacterized controls and in unaffected relatives (Ullmann R et al., Hum Mutat. 2007 Jul;28(7):674-82.PMID: 17480035; Hannes FD et al., J Med Genet. 2009 Apr;46(4):223-32. PMID: 18550696). However, the duplication is enriched patients versus controls in multiple case-control studies (Coe et al., Nat Genet. 2014 Oct;46(10):1063-71., PMID: 25217958; Girirajan et al., N Engl J Med. 2012 Oct 4;367(14):1321-31., PMID: 22970919), with some exceptions (Kaminsky et al., Genet Med. 2011 Sep;13(9):777-84., PMID: 21844811). A male-biased effect on the penetrance of the neurodevelopmental phenotypes has been reported (Tropeano M et al., PLoS One. 2013 Apr 18;8(4):e61365.; PMID: 23637818). Thus, the clinical significance of this copy number variant (CNV) is likely pathogenic. Please note: because of variable phenotypic expressivity, incomplete penetrance, and occurrence in control populations, it is best interpreted as a susceptibility locus.